The following is an entry in ClinVar:

NM_194255.4(SLC19A1):c.790C>T (p.Arg264Trp)

Gene: SLC19A1 (solute carrier family 19 member 1; minus strand). Cytogenetic location: 21q22.3.
Variant type: single nucleotide variant.
Coding change: c.790C>T on transcript NM_194255.4 (MANE Select); coding-DNA position 790, C replaced by T.
Protein change: p.Arg264Trp; replaces arginine 264 with tryptophan.
Molecular consequence: missense variant.
Genome position (GRCh38, 1-based): chr21:45,531,548, G>A on the plus strand (C>T on the coding strand, the complement: SLC19A1 is on the minus strand). VCF-style: chr21-45531548-G-A. GRCh37 (hg19) VCF-style: chr21-46951462-G-A.
Other names: c.790C>T, p.Arg264Trp (NM_001205206.4, NM_001352511.3, NM_001352512.2); c.670C>T, p.Arg224Trp (NM_001205207.3); c.436C>T, p.Arg146Trp (NM_001352510.2); short protein forms R224W, R146W, R264W.
Identifiers: ClinVar variation 2972026 (VCV002972026.2), dbSNP rs759645172, ClinGen allele CA10068529.

ClinVar aggregate classification (germline): Uncertain significance (1 of 4 stars; one submission).

Allele frequency attached by ClinVar (database versions not stated): gnomAD 0.00001; TOPMed 0.00002; ExAC 0.00003.
gnomAD v4.1: 13 of 1,612,260 alleles (0.00081%); highest among the groups gnomAD compares: Admixed American, 0.0083%; no homozygotes.

Submission:

Labcorp Genetics (formerly Invitae), Labcorp
Classification: Uncertain significance. Last evaluated: 2023-05-19. Review status: criteria provided, single submitter. Criteria: Invitae Variant Classification Sherloc (09022015). Collection method: clinical testing. Allele origin: germline.
Comment: This sequence change replaces arginine, which is basic and polar, with tryptophan, which is neutral and slightly polar, at codon 264 of the SLC19A1 protein (p.Arg264Trp). This variant is present in population databases (rs759645172, gnomAD 0.01%). This variant has not been reported in the literature in individuals affected with SLC19A1-related conditions. An algorithm developed to predict the effect of missense changes on protein structure and function (PolyPhen-2) suggests that this variant is likely to be disruptive. In summary, the available evidence is currently insufficient to determine the role of this variant in disease. Therefore, it has been classified as a Variant of Uncertain Significance.